The following is an entry in ClinVar:

NM_001379286.1(ZNF423):c.3196C>G (p.Gln1066Glu)

Gene: ZNF423 (zinc finger protein 423; minus strand). Cytogenetic location: 16q12.1.
Variant type: single nucleotide variant.
Coding change: c.3196C>G on transcript NM_001379286.1 (MANE Select); coding-DNA position 3196, C replaced by G.
Protein change: p.Gln1066Glu; replaces glutamine 1066 with glutamic acid.
Molecular consequence: missense variant.
Genome position (GRCh38, 1-based): chr16:49,635,980, G>C on the plus strand (C>G on the coding strand, the complement: ZNF423 is on the minus strand). VCF-style: chr16-49635980-G-C. GRCh37 (hg19) VCF-style: chr16-49669891-G-C.
Other names: c.3172C>G (NM_015069.2); c.2992C>G, p.Gln998Glu (NM_001271620.2); c.2821C>G, p.Gln941Glu (NM_001330533.2); c.3172C>G, p.Gln1058Glu (NM_015069.5); short protein forms Q1066E, Q1058E, Q941E, Q998E.
Identifiers: ClinVar variation 1428355 (VCV001428355.5), dbSNP rs759015585, ClinGen allele CA8046367.

ClinVar aggregate classification (germline): Uncertain significance. Review status: criteria provided, multiple submitters, no conflicts (2 of 4 stars). 3 submissions from 3 submitters: Uncertain significance (3). Last evaluated 2025-08-10.

Conditions:
Nephronophthisis 14 (NPHP14). Identifiers: Orphanet 2318, MedGen C3539071, MONDO:0013916, OMIM 614844.

Allele frequency attached by ClinVar (database versions not stated): gnomAD exomes below 0.00001 and 0.00001; ExAC 0.00001; TOPMed 0.00001.
gnomAD v4.1: 19 of 1,600,496 alleles (0.0012%); highest among the groups gnomAD compares: Non-Finnish European, 0.0015%; no homozygotes.

Submissions (3):

Ambry Genetics
Classification: Uncertain significance. Last evaluated: 2025-08-10. Review status: criteria provided, single submitter. Criteria: Ambry Variant Classification Scheme 2023. Collection method: clinical testing. Allele origin: germline.

Blueprint Genetics
Classification: Uncertain significance. Last evaluated: 2024-09-13. Review status: criteria provided, single submitter. Criteria: ACMG Guidelines, 2015. Collection method: clinical testing. Allele origin: germline.

Labcorp Genetics (formerly Invitae), Labcorp
Classification: Uncertain significance for Nephronophthisis 14. Last evaluated: 2021-11-12. Review status: criteria provided, single submitter. Criteria: Invitae Variant Classification Sherloc (09022015). Collection method: clinical testing. Allele origin: germline.
Comment: This sequence change replaces glutamine, which is neutral and polar, with glutamic acid, which is acidic and polar, at codon 1058 of the ZNF423 protein (p.Gln1058Glu). This variant is present in population databases (rs759015585, gnomAD 0.0009%). This variant has not been reported in the literature in individuals affected with ZNF423-related conditions. Algorithms developed to predict the effect of missense changes on protein structure and function are either unavailable or do not agree on the potential impact of this missense change (SIFT: "Deleterious"; PolyPhen-2: "Benign"; Align-GVGD: "Class C0"). In summary, the available evidence is currently insufficient to determine the role of this variant in disease. Therefore, it has been classified as a Variant of Uncertain Significance.